The following is an entry in ClinVar:

NM_006904.7(PRKDC):c.1423C>G (p.Leu475Val)

Gene: PRKDC (protein kinase, DNA-activated, catalytic subunit; minus strand). Cytogenetic location: 8q11.21.
Variant type: single nucleotide variant.
Coding change: c.1423C>G on transcript NM_006904.7 (MANE Select); coding-DNA position 1423, C replaced by G.
Protein change: p.Leu475Val; replaces leucine 475 with valine.
Molecular consequence: missense variant.
Genome position (GRCh38, 1-based): chr8:47,935,756, G>C on the plus strand (C>G on the coding strand, the complement: PRKDC is on the minus strand). VCF-style: chr8-47935756-G-C. GRCh37 (hg19) VCF-style: chr8-48848316-G-C.
Other names: c.1423C>G, p.Leu475Val (NM_001081640.2); short protein forms L475V.
Identifiers: ClinVar variation 3425271 (VCV003425271.1).

ClinVar aggregate classification (germline): Uncertain significance (1 of 4 stars; one submission).

gnomAD v4.1: 1 of 1,613,844 alleles (0.000062%); highest among the groups gnomAD compares: Non-Finnish European, 0.000085%; no homozygotes.

Submission:

Ambry Genetics
Classification: Uncertain significance. Last evaluated: 2024-07-07. Review status: criteria provided, single submitter. Criteria: Ambry Variant Classification Scheme 2023. Collection method: clinical testing. Allele origin: germline.
Comment: The p.L475V variant (also known as c.1423C>G), located in coding exon 13 of the PRKDC gene, results from a C to G substitution at nucleotide position 1423. The leucine at codon 475 is replaced by valine, an amino acid with highly similar properties. This amino acid position is conserved. In addition, this alteration is predicted to be tolerated by in silico analysis. Based on the available evidence, the clinical significance of this variant remains unclear.